The following is an entry in ClinVar:

ClinVar aggregate classification (germline): Uncertain significance (1 of 4 stars; one submission).

Allele frequency attached by ClinVar (database versions not stated): TOPMed below 0.00001.
gnomAD v4.1: 2 of 1,610,870 alleles (0.00012%); highest among the groups gnomAD compares: Non-Finnish European, 0.00017%; no homozygotes.

Submission:

Labcorp Genetics (formerly Invitae), Labcorp
Classification: Uncertain significance. Last evaluated: 2022-03-04. Review status: criteria provided, single submitter. Criteria: Invitae Variant Classification Sherloc (09022015). Collection method: clinical testing. Allele origin: germline.
Comment: In summary, the available evidence is currently insufficient to determine the role of this variant in disease. Therefore, it has been classified as a Variant of Uncertain Significance. Advanced modeling of protein sequence and biophysical properties (such as structural, functional, and spatial information, amino acid conservation, physicochemical variation, residue mobility, and thermodynamic stability) performed at Invitae indicates that this missense variant is expected to disrupt KCNQ4 protein function. This sequence change replaces arginine, which is basic and polar, with tryptophan, which is neutral and slightly polar, at codon 331 of the KCNQ4 protein (p.Arg331Trp). This variant is not present in population databases (gnomAD no frequency). This variant has not been reported in the literature in individuals affected with KCNQ4-related conditions.

NM_004700.4(KCNQ4):c.991C>T (p.Arg331Trp)

Gene: KCNQ4 (potassium voltage-gated channel subfamily Q member 4; plus strand). Cytogenetic location: 1p34.2.
Variant type: single nucleotide variant.
Coding change: c.991C>T on transcript NM_004700.4 (MANE Select); coding-DNA position 991, C replaced by T.
Protein change: p.Arg331Trp; replaces arginine 331 with tryptophan.
Molecular consequence: missense variant.
Genome position (GRCh38, 1-based): chr1:40,820,210, C>T. VCF-style: chr1-40820210-C-T. GRCh37 (hg19) VCF-style: chr1-41285882-C-T.
Other names: c.991C>T, p.Arg331Trp (NM_172163.3); short protein forms R331W.
Identifiers: ClinVar variation 2172138 (VCV002172138.4), dbSNP rs1178772384, ClinGen allele CA339896359.